The following is an entry in ClinVar:

NM_000868.4(HTR2C):c.1226G>A (p.Arg409Lys)

Genes: HTR2C (5-hydroxytryptamine receptor 2C; plus strand), LOC126863306 (MED14-independent group 3 enhancer GRCh37_chrX:114140926-114142125; plus strand). Cytogenetic location: Xq23.
Variant type: single nucleotide variant.
Coding change: c.1226G>A on transcript NM_000868.4 (MANE Select); coding-DNA position 1226, G replaced by A.
Protein change: p.Arg409Lys; replaces arginine 409 with lysine.
Molecular consequence: missense variant. On other transcripts: 3 prime UTR variant (1).
Genome position (GRCh38, 1-based): chrX:114,907,264, G>A. VCF-style: chrX-114907264-G-A. GRCh37 (hg19) VCF-style: chrX-114141827-G-A.
Other names: c.1226G>A (NM_000868.3); c.1226G>A, p.Arg409Lys (NM_001256760.3); c.*384G>A (NM_001256761.3); short protein forms R409K.
Identifiers: ClinVar variation 3107510 (VCV003107510.2), dbSNP rs199725654, ClinGen allele CA10495564.

ClinVar aggregate classification (germline): Uncertain significance. Review status: criteria provided, multiple submitters, no conflicts (2 of 4 stars). 2 submissions from 2 submitters: Uncertain significance (2). Last evaluated 2024-12-31.

Conditions:
HTR2C-related disorder. Also called: HTR2C-related condition.

Allele frequency attached by ClinVar (database versions not stated): gnomAD exomes 0.00001; TOPMed 0.00003; ExAC 0.00007.

Submissions (2):

PreventionGenetics, part of Exact Sciences
Classification: Uncertain significance for HTR2C-related condition. Last evaluated: 2024-12-31. Review status: criteria provided, single submitter. Criteria: ACMG Guidelines, 2015. Collection method: clinical testing. Allele origin: germline.
Comment: The HTR2C c.1226G>A variant is predicted to result in the amino acid substitution p.Arg409Lys. To our knowledge, this variant has not been reported in the literature. This variant is reported in 0.088% of alleles in individuals of East Asian descent in gnomAD, including 6 hemizygotes. Although we suspect that this variant may be benign, at this time, the clinical significance of this variant is uncertain due to the absence of conclusive functional and genetic evidence.

Ambry Genetics
Classification: Uncertain significance. Last evaluated: 2023-10-10. Review status: criteria provided, single submitter. Criteria: Ambry Variant Classification Scheme 2023. Collection method: clinical testing. Allele origin: germline.